The following is an entry in ClinVar:

ClinVar aggregate classification (germline): Uncertain significance. Review status: criteria provided, multiple submitters, no conflicts (2 of 4 stars). 2 submissions from 2 submitters: Uncertain significance (2). Last evaluated 2025-08-28.

Conditions:
Hereditary cancer-predisposing syndrome. Also called: Neoplastic Syndromes, Hereditary; Hereditary Cancer Syndrome; Tumor predisposition; Hereditary neoplastic syndrome. Identifiers: Orphanet 140162, MedGen C0027672, MeSH D009386, MONDO:0015356.
Neuroblastoma, susceptibility to, 3. Also called: ALK-Related Neuroblastic Tumor Susceptibility. Identifiers: Orphanet 635, MedGen C2751681, MONDO:0013083, OMIM 613014.

gnomAD v4.1: 1 of 1,614,122 alleles (0.000062%); highest among the groups gnomAD compares: Non-Finnish European, 0.000085%; no homozygotes.

Submissions (2):

Labcorp Genetics (formerly Invitae), Labcorp
Classification: Uncertain significance for Neuroblastoma, susceptibility to, 3. Last evaluated: 2025-08-28. Review status: criteria provided, single submitter. Criteria: Invitae Variant Classification Sherloc (09022015). Collection method: clinical testing. Allele origin: germline.
Comment: This sequence change replaces proline, which is neutral and non-polar, with threonine, which is neutral and polar, at codon 719 of the ALK protein (p.Pro719Thr). This variant is not present in population databases (gnomAD no frequency). This variant has not been reported in the literature in individuals affected with ALK-related conditions. ClinVar contains an entry for this variant (Variation ID: 1435601). An algorithm developed to predict the effect of missense changes on protein structure and function (PolyPhen-2) suggests that this variant is likely to be tolerated. In summary, the available evidence is currently insufficient to determine the role of this variant in disease. Therefore, it has been classified as a Variant of Uncertain Significance.

Ambry Genetics
Classification: Uncertain significance for Hereditary cancer-predisposing syndrome. Last evaluated: 2022-02-06. Review status: criteria provided, single submitter. Criteria: Ambry Variant Classification Scheme 2023. Collection method: clinical testing. Allele origin: germline.
Comment: The p.P719T variant (also known as c.2155C>A), located in coding exon 12 of the ALK gene, results from a C to A substitution at nucleotide position 2155. The proline at codon 719 is replaced by threonine, an amino acid with highly similar properties. This amino acid position is conserved. In addition, this alteration is predicted to be tolerated by in silico analysis. Since supporting evidence is limited at this time, the clinical significance of this alteration remains unclear.

NM_004304.5(ALK):c.2155C>A (p.Pro719Thr)

Gene: ALK (ALK receptor tyrosine kinase; minus strand). Cytogenetic location: 2p23.2.
Variant type: single nucleotide variant.
Coding change: c.2155C>A on transcript NM_004304.5 (MANE Select); coding-DNA position 2155, C replaced by A.
Protein change: p.Pro719Thr; replaces proline 719 with threonine.
Molecular consequence: missense variant.
Genome position (GRCh38, 1-based): chr2:29,251,154, G>T on the plus strand (C>A on the coding strand, the complement: ALK is on the minus strand). VCF-style: chr2-29251154-G-T. GRCh37 (hg19) VCF-style: chr2-29474020-G-T.
Other names: short protein forms P719T.
Identifiers: ClinVar variation 1435601 (VCV001435601.10), dbSNP rs759652463, ClinGen allele CA346476849.